The following is an entry in ClinVar:

ClinVar aggregate classification (germline): Uncertain significance. Review status: criteria provided, multiple submitters, no conflicts (2 of 4 stars). 2 submissions from 2 submitters: Uncertain significance (2). Last evaluated 2025-08-29.

Conditions:
ZTTK syndrome (ZTTKS). Also called: Zhu-Tokita-Takenouchi-Kim Syndrome; ZTTK MULTIPLE CONGENITAL ANOMALIES-MENTAL RETARDATION SYNDROME. Identifiers: Orphanet 500150, MedGen C4310696, MONDO:0014936, OMIM 617140.

Allele frequency attached by ClinVar (database versions not stated): gnomAD 0.00001; gnomAD exomes 0.00001 and 0.00002.

Submissions (2):

Labcorp Genetics (formerly Invitae), Labcorp
Classification: Uncertain significance. Last evaluated: 2025-08-29. Review status: criteria provided, single submitter. Criteria: Invitae Variant Classification Sherloc (09022015). Collection method: clinical testing. Allele origin: germline.
Comment: This sequence change replaces threonine, which is neutral and polar, with isoleucine, which is neutral and non-polar, at codon 324 of the SON protein (p.Thr324Ile). This variant is present in population databases (no rsID available, gnomAD 0.002%). This variant has not been reported in the literature in individuals affected with SON-related conditions. ClinVar contains an entry for this variant (Variation ID: 1683744). An algorithm developed to predict the effect of missense changes on protein structure and function (PolyPhen-2) suggests that this variant is likely to be disruptive. In summary, the available evidence is currently insufficient to determine the role of this variant in disease. Therefore, it has been classified as a Variant of Uncertain Significance.

Laboratorio de Genetica e Diagnostico Molecular, Hospital Israelita Albert Einstein
Classification: Uncertain significance for ZTTK syndrome. Last evaluated: 2021-05-10. Review status: criteria provided, single submitter. Criteria: ACMG Guidelines, 2015. Collection method: clinical testing. Allele origin: germline. Affected: yes.
Comment: ACMG classification criteria: BP4 supporting

NM_138927.4(SON):c.971C>T (p.Thr324Ile)

Gene: SON (SON DNA and RNA binding protein; plus strand). Cytogenetic location: 21q22.11.
Variant type: single nucleotide variant.
Coding change: c.971C>T on transcript NM_138927.4 (MANE Select); coding-DNA position 971, C replaced by T.
Protein change: p.Thr324Ile; replaces threonine 324 with isoleucine.
Molecular consequence: missense variant. On other transcripts: non-coding transcript variant (1), intron variant (1).
Genome position (GRCh38, 1-based): chr21:33,550,202, C>T. VCF-style: chr21-33550202-C-T. GRCh37 (hg19) VCF-style: chr21-34922508-C-T.
Other names: c.971C>T, p.Thr324Ile (NM_001291411.2, NM_032195.3); c.244+3823C>T (NM_001291412.3); short protein forms T324I.
Identifiers: ClinVar variation 1683744 (VCV001683744.3), dbSNP rs1048212485, ClinGen allele CA320149750.